The following is an entry in ClinVar:

NM_005068.3(SIM1):c.435C>G (p.Pro145=)

Gene: SIM1 (SIM bHLH transcription factor 1; minus strand). Cytogenetic location: 6q16.3.
Variant type: single nucleotide variant.
Coding change: c.435C>G on transcript NM_005068.3 (MANE Select); coding-DNA position 435, C replaced by G.
Protein change: p.Pro145=; no amino-acid change (proline 145 retained).
Molecular consequence: synonymous variant.
Genome position (GRCh38, 1-based): chr6:100,449,613, G>C on the plus strand (C>G on the coding strand, the complement: SIM1 is on the minus strand). VCF-style: chr6-100449613-G-C. GRCh37 (hg19) VCF-style: chr6-100897489-G-C.
Other names: c.435C>G, p.Pro145= (NM_001374769.1).
Identifiers: ClinVar variation 3028973 (VCV003028973.2), dbSNP rs1772458469, ClinGen allele CA451383597.

ClinVar aggregate classification (germline): Likely benign (0 of 4 stars; one submission).

Conditions:
SIM1-related disorder. Also called: SIM1-related condition; SIM1-related disorders.

Submission:

PreventionGenetics, part of Exact Sciences
Classification: Likely benign for SIM1-related condition. Last evaluated: 2022-02-14. Review status: no assertion criteria provided. Collection method: clinical testing. Allele origin: germline.
Comment: This variant is classified as likely benign based on ACMG/AMP sequence variant interpretation guidelines (Richards et al. 2015 PMID: 25741868, with internal and published modifications).